The following is an entry in ClinVar:

ClinVar aggregate classification (germline): Pathogenic (1 of 4 stars; one submission).

Conditions:
Hereditary cancer-predisposing syndrome. Also called: Neoplastic Syndromes, Hereditary; Tumor predisposition; Hereditary Cancer Syndrome; Hereditary neoplastic syndrome. Identifiers: Orphanet 140162, MedGen C0027672, MeSH D009386, MONDO:0015356.

Submission:

Ambry Genetics
Classification: Pathogenic for Hereditary cancer-predisposing syndrome. Last evaluated: 2026-06-02. Review status: criteria provided, single submitter. Criteria: Ambry Variant Classification Scheme 2023. Collection method: clinical testing. Allele origin: germline.
Comment: The c.858delC pathogenic mutation, located in coding exon 7 of the CHEK2 gene, results from a deletion of one nucleotide at nucleotide position 858, causing a translational frameshift with a predicted alternate stop codon (p.K287Rfs*17). This variant is considered to be rare based on population cohorts in the Genome Aggregation Database (gnomAD). This variant is expected to result in loss of function by premature protein truncation or nonsense-mediated mRNA decay. As such, this variant is interpreted as a disease-causing mutation.

NM_007194.4(CHEK2):c.858del (p.Lys287fs)

Gene: CHEK2 (checkpoint kinase 2; minus strand). Cytogenetic location: 22q12.1.
Variant type: Deletion.
Coding change: c.858del on transcript NM_007194.4 (MANE Select); coding-DNA position 858, one base deleted (C; older notation c.858delC).
Protein change: p.Lys287fs; shifts the reading frame from lysine 287.
Molecular consequence: frameshift variant.
Genome position (GRCh38, 1-based): chr22:28,703,555, G deleted on the plus strand (C on the coding strand, the reverse complement: CHEK2 is on the minus strand). VCF-style (leftmost placement, unchanged base first): chr22-28703554-TG-T. GRCh37 (hg19) VCF-style: chr22-29099542-TG-T.
Other names: c.987del, p.Lys330fs (NM_001005735.3, NM_001438294.1); c.195del, p.Lys66fs (NM_001257387.3, NM_001437942.1); c.657del, p.Lys220fs (NM_001349956.3); c.951del, p.Lys318fs (NM_001438293.1, NM_001438295.1); c.858del, p.Lys287fs (NM_145862.3); short protein forms K220fs, K287fs, K318fs, K330fs, K66fs.
Identifiers: ClinVar variation 4868944 (VCV004868944.1).